The following is an entry in ClinVar:

ClinVar aggregate classification (germline): Likely pathogenic (1 of 4 stars; one submission).

Submission:

CeGaT Center for Human Genetics Tuebingen
Classification: Likely pathogenic. Last evaluated: 2024-08-01. Review status: criteria provided, single submitter. Criteria: CeGaT Center For Human Genetics Tuebingen Variant Classification Criteria Version 2. Collection method: clinical testing. Allele origin: germline. Affected: yes. Observed: 1 variant allele.
Comment: ZBTB18: PVS1:Strong, PM2

NM_205768.3(ZBTB18):c.1414G>T (p.Glu472Ter)

Gene: ZBTB18 (zinc finger and BTB domain containing 18; plus strand). Cytogenetic location: 1q44.
Variant type: single nucleotide variant.
Coding change: c.1414G>T on transcript NM_205768.3 (MANE Select); coding-DNA position 1414, G replaced by T.
Protein change: p.Glu472Ter; replaces glutamic acid 472 with a stop codon.
Molecular consequence: nonsense. On other transcripts: 3 prime UTR variant (1).
Genome position (GRCh38, 1-based): chr1:244,055,188, G>T. VCF-style: chr1-244055188-G-T. GRCh37 (hg19) VCF-style: chr1-244218490-G-T.
Other names: c.1387G>T, p.Glu463Ter (NM_001278196.2, NM_006352.5); c.*591G>T (NM_001421566.1); short protein forms E463*, E472*.
Identifiers: ClinVar variation 3342197 (VCV003342197.16).